The following is an entry in ClinVar:

NM_014700.4(RAB11FIP3):c.1260G>A (p.Thr420=)

Gene: RAB11FIP3 (RAB11 family interacting protein 3; plus strand). Cytogenetic location: 16p13.3.
Variant type: single nucleotide variant.
Coding change: c.1260G>A on transcript NM_014700.4 (MANE Select); coding-DNA position 1260, G replaced by A.
Protein change: p.Thr420=; no amino-acid change (threonine 420 retained).
Molecular consequence: synonymous variant.
Genome position (GRCh38, 1-based): chr16:488,995, G>A. VCF-style: chr16-488995-G-A. GRCh37 (hg19) VCF-style: chr16-538995-G-A.
Other names: c.330G>A, p.Thr110= (NM_001142272.2); c.1260G>A, p.Thr420= (NM_001370401.1).
Identifiers: ClinVar variation 2645790 (VCV002645790.24), dbSNP rs150937967, ClinGen allele CA7777538.

ClinVar aggregate classification (germline): Likely benign (1 of 4 stars; one submission).

Allele frequency attached by ClinVar (database versions not stated): ESP Exome Variant Server 0.00069; TOPMed 0.00113; 1000 Genomes Project 0.00120; 1000 Genomes Project 30x 0.00125; gnomAD 0.00130; gnomAD exomes 0.00141; ExAC 0.00151.
gnomAD v4.1: 2,261 of 1,613,410 alleles (0.14%); highest among the groups gnomAD compares: South Asian, 0.26%; 4 homozygotes.

Submission:

CeGaT Center for Human Genetics Tuebingen
Classification: Likely benign. Last evaluated: 2023-02-01. Review status: criteria provided, single submitter. Criteria: CeGaT Center For Human Genetics Tuebingen Variant Classification Criteria Version 2. Collection method: clinical testing. Allele origin: germline. Affected: yes. Observed: 1 variant allele.
Comment: RAB11FIP3: BP4, BP7